The following is an entry in ClinVar:

ClinVar aggregate classification (germline): Likely pathogenic (1 of 4 stars; one submission).

Conditions:
Inborn genetic diseases. Identifiers: MedGen C0950123, MeSH D030342.

Submission:

Ambry Genetics
Classification: Likely pathogenic for Inborn genetic diseases. Last evaluated: 2024-12-26. Review status: criteria provided, single submitter. Criteria: Ambry Variant Classification Scheme 2023. Collection method: clinical testing. Allele origin: germline.
Comment: The c.767T>C (p.I256T) alteration is located in exon 5 (coding exon 5) of the DEAF1 gene. This alteration results from a T to C substitution at nucleotide position 767, causing the isoleucine (I) at amino acid position 256 to be replaced by a threonine (T). for autosomal dominant Vulto-van Silfout-de Vries syndrome; however, its clinical significance for autosomal recessive DEAF1-related neurodevelopmental disorder is uncertain. This variant was not reported in population-based cohorts in the Genome Aggregation Database (gnomAD). Other variants at the same codon, c.767T>A (p.I256N) and c.767T>G (p.I256S), have been reported de novo in individuals with features consistent with Vulto-van Silfout-de Vries syndrome (Costain, 2019; McGee, 2023). This amino acid position is highly conserved in available vertebrate species. The p.I256T amino acid is located in the SAND domain (McGee, 2023). This alteration is predicted to be deleterious by in silico analysis. Based on the available evidence, this alteration is classified as likely pathogenic.

Literature cited by the submitters: PubMed 31487502; PubMed 35981081.

NM_021008.4(DEAF1):c.767T>C (p.Ile256Thr)

Gene: DEAF1 (DEAF1 transcription factor; minus strand). Cytogenetic location: 11p15.5.
Variant type: single nucleotide variant.
Coding change: c.767T>C on transcript NM_021008.4 (MANE Select); coding-DNA position 767, T replaced by C.
Protein change: p.Ile256Thr; replaces isoleucine 256 with threonine.
Molecular consequence: missense variant. On other transcripts: intron variant (1).
Genome position (GRCh38, 1-based): chr11:686,895, A>G on the plus strand (T>C on the coding strand, the complement: DEAF1 is on the minus strand). VCF-style: chr11-686895-A-G. GRCh37 (hg19) VCF-style: chr11-686895-A-G.
Other names: c.41T>C, p.Ile14Thr (NM_001367390.1, NM_001440885.1, NM_001440886.1 and 1 more transcripts); c.767T>C, p.Ile256Thr (NM_001440883.1, NM_001440884.1); c.664+1016T>C (NM_001293634.2); short protein forms I14T, I256T.
Identifiers: ClinVar variation 3839221 (VCV003839221.1).